The following is an entry in ClinVar:

NM_001184900.3(CARD8):c.11dup (p.Glu5fs)

Gene: CARD8 (caspase recruitment domain family member 8; minus strand). Cytogenetic location: 19q13.33.
Variant type: Duplication.
Coding change: c.11dup on transcript NM_001184900.3 (MANE Select); coding-DNA position 11, one base duplicated (A; older notation c.11dupA).
Protein change: p.Glu5fs; shifts the reading frame from glutamic acid 5.
Molecular consequence: frameshift variant. On other transcripts: 5 prime UTR variant (7), non-coding transcript variant (4).
Genome position (GRCh38, 1-based): chr19:48,241,010, T duplicated on the plus strand (A on the coding strand, the reverse complement: CARD8 is on the minus strand); the first of 7 consecutive T bases (chr19:48,241,010-48,241,016); duplicating any one gives the same sequence. VCF-style (leftmost placement, unchanged base first): chr19-48241009-C-CT. GRCh37 (hg19) VCF-style: chr19-48744266-C-CT.
Other names: c.11dup, p.Glu5fs (NM_001184901.1, NM_001184902.2, NM_001184903.1 and 6 more transcripts); c.-114dup (NM_001351784.2, NM_001351787.2, NM_001351791.2 and 2 more transcripts); c.-328dup (NM_001351786.2); c.-192dup (NM_001351790.2); short protein forms E5fs.
Identifiers: ClinVar variation 1008662 (VCV001008662.7), dbSNP rs759553123, ClinGen allele CA9548151.
Genomic context (GRCh38, chr19:48,241,009, plus strand): 5'-CAAAGTCACTCACCGTCTCGGCAGCTCTTCCTCACTGCTGCTACTCTTTTCTGGACACTC[C>CT]TTTTTTTCCATTTGTCAAATGTGGTATTTATGTCTTTACTGTATCTTTTTTACCCTGAAA-3'

ClinVar aggregate classification (germline): Uncertain significance. Review status: criteria provided, multiple submitters, no conflicts (2 of 4 stars). 2 submissions from 2 submitters: Uncertain significance (2). Last evaluated 2026-01-14.

Submissions (2):

Labcorp Genetics (formerly Invitae), Labcorp
Classification: Uncertain significance. Last evaluated: 2026-01-14. Review status: criteria provided, single submitter. Criteria: Invitae Variant Classification Sherloc (09022015). Collection method: clinical testing. Allele origin: germline.
Comment: This sequence change creates a premature translational stop signal (p.Glu5Glyfs*7) in the CARD8 gene. It is expected to result in an absent or disrupted protein product. However, the current clinical and genetic evidence is not sufficient to establish whether loss-of-function variants in CARD8 cause disease. This variant is present in population databases (rs759553123, gnomAD 0.05%). This variant has not been reported in the literature in individuals affected with CARD8-related conditions. ClinVar contains an entry for this variant (Variation ID: 1008662). In summary, the available evidence is currently insufficient to determine the role of this variant in disease. Therefore, it has been classified as a Variant of Uncertain Significance.

Clinical Genomics Laboratory, Washington University in St. Louis
Classification: Uncertain significance. Last evaluated: 2025-10-30. Review status: criteria provided, single submitter. Criteria: ACMG Guidelines, 2015. Collection method: clinical testing. Allele origin: germline.
Comment: The CARD8 c.11dup (p.Glu5Glyfs*7) variant, to our knowledge, has not been reported in the medical literature. This variant causes a frameshift by inserting a single nucleotide, leading to a premature termination codon that is predicted to lead to nonsense mediated decay. The highest population minor allele frequency in the population database genome aggregation database (v.2.1.1) is 0.05% in the European non-Finnish population. This variant has been reported in the ClinVar database as a germline variant of uncertain significance by one submitter. Due to limited information, the clinical significance of this variant is uncertain.